The following is an entry in ClinVar:

ClinVar aggregate classification (germline): Uncertain significance (1 of 4 stars; one submission).

Submission:

GeneDx
Classification: Uncertain significance. Last evaluated: 2022-08-20. Review status: criteria provided, single submitter. Criteria: GeneDx Variant Classification Process June 2021. Collection method: clinical testing. Allele origin: germline. Affected: yes.
Comment: Not observed at significant frequency in large population cohorts (gnomAD); In silico analysis supports that this missense variant has a deleterious effect on protein structure/function; Has not been previously published as pathogenic or benign to our knowledge

NM_002335.4(LRP5):c.317G>T (p.Gly106Val)

Gene: LRP5 (LDL receptor related protein 5; plus strand). Cytogenetic location: 11q13.2.
Variant type: single nucleotide variant.
Coding change: c.317G>T on transcript NM_002335.4 (MANE Select); coding-DNA position 317, G replaced by T.
Protein change: p.Gly106Val; replaces glycine 106 with valine.
Molecular consequence: missense variant. On other transcripts: 5 prime UTR variant (1).
Genome position (GRCh38, 1-based): chr11:68,348,072, G>T. VCF-style: chr11-68348072-G-T. GRCh37 (hg19) VCF-style: chr11-68115540-G-T.
Other names: c.-1449G>T (NM_001291902.2); short protein forms G106V.
Identifiers: ClinVar variation 2430550 (VCV002430550.1), dbSNP rs1442757499, ClinGen allele CA381610522.